The following is an entry in ClinVar:

NM_017763.6(RNF43):c.1527G>A (p.Val509=)

Gene: RNF43 (ring finger protein 43; minus strand). Cytogenetic location: 17q22.
Variant type: single nucleotide variant.
Coding change: c.1527G>A on transcript NM_017763.6 (MANE Select); coding-DNA position 1527, G replaced by A.
Protein change: p.Val509=; no amino-acid change (valine 509 retained).
Molecular consequence: synonymous variant.
Genome position (GRCh38, 1-based): chr17:58,358,249, C>T on the plus strand (G>A on the coding strand, the complement: RNF43 is on the minus strand). VCF-style: chr17-58358249-C-T. GRCh37 (hg19) VCF-style: chr17-56435610-C-T.
Other names: c.1527G>A, p.Val509= (NM_001305544.3); c.1146G>A, p.Val382= (NM_001305545.2).
Identifiers: ClinVar variation 1154866 (VCV001154866.11), dbSNP rs549485999, ClinGen allele CA8673165.
Genomic context (GRCh38, chr17:58,358,249, plus strand): 5'-CCGAGAGGTCACACTAGGCTGCATGTCCACTCGCTGGGGATCCCCTTTAGGGCTGCAGTA[C>T]ACTAGGGGGTCAAAGTCACTGCTTAGGGAGCTGCAGAAAGTAGAACTGCTGCCATGGACC-3'
Protein context (NP_060233.3, residues 499-519): SSLSSDFDPL[Val509=]YCSPKGDPQR

ClinVar aggregate classification (germline): Benign/Likely benign. Review status: criteria provided, multiple submitters, no conflicts (2 of 4 stars). 3 submissions from 3 submitters: Benign (1); Likely benign (2). Last evaluated 2026-07-02.

Conditions:
Sessile serrated polyposis cancer syndrome (SSPCS). Identifiers: Orphanet 157798, MedGen C4310714, MONDO:0014919, OMIM 617108.

Allele frequency attached by ClinVar (database versions not stated): TOPMed below 0.00001; ExAC 0.00001; gnomAD exomes 0.00001 and 0.00002.
gnomAD v4.1: 12 of 1,613,924 alleles (0.00074%); highest among the groups gnomAD compares: South Asian, 0.013%; no homozygotes.

Submissions (3):

Myriad Genetics, Inc.
Classification: Benign for Sessile serrated polyposis cancer syndrome. Last evaluated: 2026-07-02. Review status: criteria provided, single submitter. Criteria: Myriad Autosomal Dominant, Autosomal Recessive and X-Linked Classification Criteria (2023). Collection method: clinical testing. Allele origin: unknown.
Comment: This variant is considered benign. This variant is a silent/synonymous amino acid change and it is not expected to impact splicing.

Ambry Genetics
Classification: Likely benign. Last evaluated: 2025-01-01. Review status: criteria provided, single submitter. Criteria: Ambry Variant Classification Scheme 2023. Collection method: clinical testing. Allele origin: germline.

Labcorp Genetics (formerly Invitae), Labcorp
Classification: Likely benign. Last evaluated: 2023-10-13. Review status: criteria provided, single submitter. Criteria: Invitae Variant Classification Sherloc (09022015). Collection method: clinical testing. Allele origin: germline.